The following is an entry in ClinVar:

NM_006086.4(TUBB3):c.178G>T (p.Val60Leu)

Gene: TUBB3 (tubulin beta 3 class III; plus strand). Cytogenetic location: 16q24.3.
Variant type: single nucleotide variant.
Coding change: c.178G>T on transcript NM_006086.4 (MANE Select); coding-DNA position 178, G replaced by T.
Protein change: p.Val60Leu; replaces valine 60 with leucine.
Molecular consequence: missense variant. On other transcripts: 5 prime UTR variant (1).
Genome position (GRCh38, 1-based): chr16:89,933,479, G>T. VCF-style: chr16-89933479-G-T. GRCh37 (hg19) VCF-style: chr16-89999887-G-T.
Other names: c.-39G>T (NM_001197181.2); short protein forms V60L.
Identifiers: ClinVar variation 1320071 (VCV001320071.1), dbSNP rs2151092282, ClinGen allele CA397471203.

ClinVar aggregate classification (germline): Likely pathogenic (1 of 4 stars; one submission).

Conditions:
Complex cortical dysplasia with other brain malformations 1. Identifiers: Orphanet 300570, MedGen C3808397, MONDO:0013541, OMIM 614039.

Submission:

3billion
Classification: Likely pathogenic for Complex cortical dysplasia with other brain malformations 1. Last evaluated: 2021-10-02. Review status: criteria provided, single submitter. Criteria: ACMG Guidelines, 2015. Collection method: clinical testing. Allele origin: germline. Affected: yes. Observed: 1 heterozygote.
Comment: The variant was observed as assumed (i.e. paternity and maternity not confirmed) de novoo (3billion dataset, PM6). It is not observed in the gnomAD v2.1.1 dataset (PM2). Missense changes are a common disease-causing mechanism (PP2). Patient's phenotype is considered compatible with Cortical dysplasia, complex, with other brain malformations 1 (3billion dataset, PP4). Therefore, this variant is classified as likely pathogenic according to the recommendation of ACMG/AMP guideline.